The following is an entry in ClinVar:

ClinVar aggregate classification (germline): Uncertain significance. Review status: criteria provided, multiple submitters, no conflicts (2 of 4 stars). 2 submissions from 2 submitters: Uncertain significance (2). Last evaluated 2022-09-01.

Allele frequency attached by ClinVar (database versions not stated): TOPMed below 0.00001.

Submissions (2):

Blueprint Genetics
Classification: Uncertain significance. Last evaluated: 2022-09-01. Review status: criteria provided, single submitter. Criteria: ACMG Guidelines, 2015. Collection method: clinical testing. Allele origin: germline.

Labcorp Genetics (formerly Invitae), Labcorp
Classification: Uncertain significance. Last evaluated: 2022-02-10. Review status: criteria provided, single submitter. Criteria: Invitae Variant Classification Sherloc (09022015). Collection method: clinical testing. Allele origin: germline.
Comment: In summary, the available evidence is currently insufficient to determine the role of this variant in disease. Therefore, it has been classified as a Variant of Uncertain Significance. Algorithms developed to predict the effect of missense changes on protein structure and function are either unavailable or do not agree on the potential impact of this missense change (SIFT: "Deleterious"; PolyPhen-2: "Not Available"; Align-GVGD: "Class C0"). This variant has not been reported in the literature in individuals affected with PDZD7-related conditions. This variant is not present in population databases (gnomAD no frequency). This sequence change replaces glycine, which is neutral and non-polar, with alanine, which is neutral and non-polar, at codon 896 of the PDZD7 protein (p.Gly896Ala).

NM_001195263.2(PDZD7):c.2687G>C (p.Gly896Ala)

Gene: PDZD7 (PDZ domain containing 7; minus strand). Cytogenetic location: 10q24.31.
Variant type: single nucleotide variant.
Coding change: c.2687G>C on transcript NM_001195263.2 (MANE Select); coding-DNA position 2687, G replaced by C.
Protein change: p.Gly896Ala; replaces glycine 896 with alanine.
Molecular consequence: missense variant.
Genome position (GRCh38, 1-based): chr10:101,009,281, C>G on the plus strand (G>C on the coding strand, the complement: PDZD7 is on the minus strand). VCF-style: chr10-101009281-C-G. GRCh37 (hg19) VCF-style: chr10-102769038-C-G.
Other names: short protein forms G896A.
Identifiers: ClinVar variation 1969925 (VCV001969925.6), dbSNP rs1047994330, ClinGen allele CA212977659.